The following is an entry in ClinVar:

NM_018444.4(PDP1):c.1596G>A (p.Ala532=)

Gene: PDP1 (pyruvate dehydrogenase phosphatase catalytic subunit 1; plus strand). Cytogenetic location: 8q22.1.
Variant type: single nucleotide variant.
Coding change: c.1596G>A on transcript NM_018444.4 (MANE Select); coding-DNA position 1596, G replaced by A.
Protein change: p.Ala532=; no amino-acid change (alanine 532 retained).
Molecular consequence: synonymous variant.
Genome position (GRCh38, 1-based): chr8:93,923,655, G>A. VCF-style: chr8-93923655-G-A. GRCh37 (hg19) VCF-style: chr8-94935883-G-A.
Other names: c.1671G>A, p.Ala557= (NM_001161779.2, NM_001161780.2); c.1596G>A, p.Ala532= (NM_001161781.2).
Identifiers: ClinVar variation 731974 (VCV000731974.16), dbSNP rs535568386, ClinGen allele CA4808857.

ClinVar aggregate classification (germline): Benign/Likely benign. Review status: criteria provided, multiple submitters, no conflicts (2 of 4 stars). 2 submissions from 2 submitters: Benign (1); Likely benign (1). Last evaluated 2026-01-24.

Allele frequency attached by ClinVar (database versions not stated): gnomAD 0.00001 and 0.00007; TOPMed 0.00006; ExAC 0.00035; gnomAD exomes 0.00038; 1000 Genomes Project 0.00060; 1000 Genomes Project 30x 0.00094.
gnomAD v4.1: 265 of 1,613,340 alleles (0.016%); highest among the groups gnomAD compares: South Asian, 0.24%; 4 homozygotes.

Submissions (2):

Labcorp Genetics (formerly Invitae), Labcorp
Classification: Benign. Last evaluated: 2026-01-24. Review status: criteria provided, single submitter. Criteria: Invitae Variant Classification Sherloc (09022015). Collection method: clinical testing. Allele origin: germline.

CeGaT Center for Human Genetics Tuebingen
Classification: Likely benign. Last evaluated: 2025-07-01. Review status: criteria provided, single submitter. Criteria: CeGaT Center For Human Genetics Tuebingen Variant Classification Criteria Version 2. Collection method: clinical testing. Allele origin: germline. Affected: yes. Observed: 1 variant allele.
Comment: PDP1: BP4, BP7